The following is an entry in ClinVar:

NM_016589.4(TIMMDC1):c.295C>T (p.His99Tyr)

Gene: TIMMDC1 (translocase of inner mitochondrial membrane domain containing 1; plus strand). Cytogenetic location: 3q13.33.
Variant type: single nucleotide variant.
Coding change: c.295C>T on transcript NM_016589.4 (MANE Select); coding-DNA position 295, C replaced by T.
Protein change: p.His99Tyr; replaces histidine 99 with tyrosine.
Molecular consequence: missense variant.
Genome position (GRCh38, 1-based): chr3:119,500,795, C>T. VCF-style: chr3-119500795-C-T. GRCh37 (hg19) VCF-style: chr3-119219642-C-T.
Other names: short protein forms H99Y.
Identifiers: ClinVar variation 1912139 (VCV001912139.3), dbSNP rs199712668, ClinGen allele CA2555185.
Genomic context (GRCh38, chr3:119,500,795, plus strand): 5'-AAGACGGCAGCTACAGCAGGCATCATTGGCTGGGTGTATGGGGGAATACCAGCTTTTATT[C>T]ATGCTAAACAACAATACATTGAGCAGAGCCAGGCAGAAATTTATCATAACCGGTTTGATG-3'
Protein context (NP_057673.2, residues 89-109): WVYGGIPAFI[His99Tyr]AKQQYIEQSQ

ClinVar aggregate classification (germline): Uncertain significance (1 of 4 stars; one submission).

Allele frequency attached by ClinVar (database versions not stated): gnomAD exomes 0.00001; ExAC 0.00004; ESP Exome Variant Server 0.00008; gnomAD 0.00009; TOPMed 0.00011; 1000 Genomes Project 30x 0.00047; 1000 Genomes Project 0.00060.
gnomAD v4.1: 38 of 1,614,074 alleles (0.0024%); highest among the groups gnomAD compares: African/African-American, 0.043%; no homozygotes.

Submission:

Labcorp Genetics (formerly Invitae), Labcorp
Classification: Uncertain significance. Last evaluated: 2022-08-21. Review status: criteria provided, single submitter. Criteria: Invitae Variant Classification Sherloc (09022015). Collection method: clinical testing. Allele origin: germline.
Comment: In summary, the available evidence is currently insufficient to determine the role of this variant in disease. Therefore, it has been classified as a Variant of Uncertain Significance. Algorithms developed to predict the effect of missense changes on protein structure and function output the following: SIFT: "Tolerated"; PolyPhen-2: "Benign"; Align-GVGD: "Class C0". The tyrosine amino acid residue is found in multiple mammalian species, which suggests that this missense change does not adversely affect protein function. This variant has not been reported in the literature in individuals affected with TIMMDC1-related conditions. This variant is present in population databases (rs199712668, gnomAD 0.04%). This sequence change replaces histidine, which is basic and polar, with tyrosine, which is neutral and polar, at codon 99 of the TIMMDC1 protein (p.His99Tyr).